The following is an entry in ClinVar:

NM_000358.3(TGFBI):c.1027A>G (p.Met343Val)

Gene: TGFBI (transforming growth factor beta induced; plus strand). Cytogenetic location: 5q31.1.
Variant type: single nucleotide variant.
Coding change: c.1027A>G on transcript NM_000358.3 (MANE Select); coding-DNA position 1027, A replaced by G.
Protein change: p.Met343Val; replaces methionine 343 with valine.
Molecular consequence: missense variant.
Genome position (GRCh38, 1-based): chr5:136,053,020, A>G. VCF-style: chr5-136053020-A-G. GRCh37 (hg19) VCF-style: chr5-135388709-A-G.
Other names: short protein forms M343V.
Identifiers: ClinVar variation 350880 (VCV000350880.12), dbSNP rs35920018, ClinGen allele CA3420233.

ClinVar aggregate classification (germline): Benign. Review status: criteria provided, multiple submitters, no conflicts (2 of 4 stars). 2 submissions from 2 submitters: Benign (2). Last evaluated 2025-09-15.

Conditions:
Corneal dystrophy. Identifiers: Orphanet 34533, MedGen C0010036, MONDO:0018102, HP:0001131.

Allele frequency attached by ClinVar (database versions not stated): gnomAD exomes 0.00062 and 0.00172; ExAC 0.00207; gnomAD 0.00598 and 0.00652; 1000 Genomes Project 0.00679; TOPMed 0.00699; 1000 Genomes Project 30x 0.00718; ESP Exome Variant Server 0.00723.

Submissions (2):

Labcorp Genetics (formerly Invitae), Labcorp
Classification: Benign. Last evaluated: 2025-09-15. Review status: criteria provided, single submitter. Criteria: Invitae Variant Classification Sherloc (09022015). Collection method: clinical testing. Allele origin: germline.

Illumina Laboratory Services, Illumina
Classification: Benign for Corneal dystrophy. Last evaluated: 2018-01-13. Review status: criteria provided, single submitter. Criteria: ICSL Variant Classification Criteria 13 December 2019. Collection method: clinical testing. Allele origin: germline.
Comment: This variant was observed in the ICSL laboratory as part of a predisposition screen in an ostensibly healthy population. It had not been previously curated by ICSL or reported in the Human Gene Mutation Database (HGMD: prior to June 1st, 2018), and was therefore a candidate for classification through an automated scoring system. Utilizing variant allele frequency, disease prevalence and penetrance estimates, and inheritance mode, an automated score was calculated to assess if this variant is too frequent to cause the disease. Based on the score and internal cut-off values, a variant classified as benign is not then subjected to further curation. The score for this variant resulted in a classification of benign for this disease.